The following is an entry in ClinVar:

ClinVar aggregate classification (germline): Likely benign. Review status: criteria provided, multiple submitters, no conflicts (2 of 4 stars). 5 submissions from 5 submitters: Likely benign (4). 1 of the submissions does not count toward it. Last evaluated 2026-05-01.

Conditions:
RTTN-related disorder. Also called: RTTN-related condition.

Allele frequency attached by ClinVar (database versions not stated): gnomAD exomes 0.00009 and 0.00017; TOPMed 0.00009; gnomAD 0.00011; 1000 Genomes Project 30x 0.00016; 1000 Genomes Project 0.00020; ExAC 0.00020.
gnomAD v4.1: 153 of 1,614,136 alleles (0.0095%); highest among the groups gnomAD compares: South Asian, 0.058%; 2 homozygotes.

Submissions (5):

CeGaT Center for Human Genetics Tuebingen
Classification: Likely benign. Last evaluated: 2026-05-01. Review status: criteria provided, single submitter. Criteria: CeGaT Center For Human Genetics Tuebingen Variant Classification Criteria Version 2. Collection method: clinical testing. Allele origin: germline. Affected: yes. Observed: 1 variant allele.
Comment: RTTN: BP4, BP7

Labcorp Genetics (formerly Invitae), Labcorp
Classification: Likely benign. Last evaluated: 2025-07-02. Review status: criteria provided, single submitter. Criteria: Invitae Variant Classification Sherloc (09022015). Collection method: clinical testing. Allele origin: germline.

Blueprint Genetics
Classification: Likely benign. Last evaluated: 2024-11-13. Review status: criteria provided, single submitter. Criteria: ACMG Guidelines, 2015. Collection method: clinical testing. Allele origin: germline.

Genetic Services Laboratory, University of Chicago
Classification: Likely benign. Last evaluated: 2017-05-18. Review status: criteria provided, single submitter. Criteria: ACMG Guidelines, 2015. Collection method: clinical testing. Allele origin: germline. Affected: no.

PreventionGenetics, part of Exact Sciences
Classification: Likely benign for RTTN-related condition. Last evaluated: 2019-03-14. Review status: no assertion criteria provided. Collection method: clinical testing. Allele origin: germline. Not counted in ClinVar's aggregate classification.
Comment: This variant is classified as likely benign based on ACMG/AMP sequence variant interpretation guidelines (Richards et al. 2015 PMID: 25741868, with internal and published modifications).

NM_173630.4(RTTN):c.309T>C (p.Ala103=)

Gene: RTTN (rotatin; minus strand). Cytogenetic location: 18q22.2.
Variant type: single nucleotide variant.
Coding change: c.309T>C on transcript NM_173630.4 (MANE Select); coding-DNA position 309, T replaced by C.
Protein change: p.Ala103=; no amino-acid change (alanine 103 retained).
Molecular consequence: synonymous variant. On other transcripts: 5 prime UTR variant (1).
Genome position (GRCh38, 1-based): chr18:70,204,174, A>G on the plus strand (T>C on the coding strand, the complement: RTTN is on the minus strand). VCF-style: chr18-70204174-A-G. GRCh37 (hg19) VCF-style: chr18-67871410-A-G.
Other names: c.-2245T>C (NM_001318520.2).
Identifiers: ClinVar variation 436605 (VCV000436605.18), dbSNP rs554154376, ClinGen allele CA8996524.
Genomic context (GRCh38, chr18:70,204,174, plus strand): 5'-AGATAGTGCAGGAACTTCCGAAGGAAGAAGAAAAAGTCCATCCAGAATGCCATCAATTTC[A>G]GCCTGCAGATTTGGCTCCACATTAGACCGAAGCTTAGATAAGAACTCTACTGCACCAACG-3'
Protein context (NP_775901.3, residues 93-113): LRSNVEPNLQ[Ala103=]EIDGILDGLF